The following is an entry in ClinVar:

NM_000163.5(GHR):c.338A>C (p.Tyr113Ser)

Gene: GHR (growth hormone receptor; plus strand). Cytogenetic location: 5p12.
Variant type: single nucleotide variant.
Coding change: c.338A>C on transcript NM_000163.5 (MANE Select); coding-DNA position 338, A replaced by C.
Protein change: p.Tyr113Ser; replaces tyrosine 113 with serine.
Molecular consequence: missense variant.
Genome position (GRCh38, 1-based): chr5:42,694,988, A>C. VCF-style: chr5-42694988-A-C. GRCh37 (hg19) VCF-style: chr5-42695090-A-C.
Other names: c.359A>C, p.Tyr120Ser (NM_001242399.2); c.338A>C, p.Tyr113Ser (NM_001242400.2, NM_001242401.4, NM_001242402.2 and 5 more transcripts); c.272A>C, p.Tyr91Ser (NM_001242460.2); short protein forms Y113S, Y120S, Y91S.
Identifiers: ClinVar variation 1388347 (VCV001388347.6), dbSNP rs2111704697, ClinGen allele CA359695147.

ClinVar aggregate classification (germline): Uncertain significance (1 of 4 stars; one submission).

Submission:

Labcorp Genetics (formerly Invitae), Labcorp
Classification: Uncertain significance. Last evaluated: 2022-07-18. Review status: criteria provided, single submitter. Criteria: Invitae Variant Classification Sherloc (09022015). Collection method: clinical testing. Allele origin: germline.
Comment: This variant is not present in population databases (gnomAD no frequency). This sequence change replaces tyrosine, which is neutral and polar, with serine, which is neutral and polar, at codon 113 of the GHR protein (p.Tyr113Ser). This variant has not been reported in the literature in individuals affected with GHR-related conditions. In summary, the available evidence is currently insufficient to determine the role of this variant in disease. Therefore, it has been classified as a Variant of Uncertain Significance. Algorithms developed to predict the effect of missense changes on protein structure and function (SIFT, PolyPhen-2, Align-GVGD) all suggest that this variant is likely to be disruptive. ClinVar contains an entry for this variant (Variation ID: 1388347).